The following is an entry in ClinVar:

NM_170784.3(MKKS):c.1318C>G (p.Gln440Glu)

Gene: MKKS (MKKS centrosomal shuttling protein; minus strand). Cytogenetic location: 20p12.2.
Variant type: single nucleotide variant.
Coding change: c.1318C>G on transcript NM_170784.3 (MANE Select); coding-DNA position 1318, C replaced by G.
Protein change: p.Gln440Glu; replaces glutamine 440 with glutamic acid.
Molecular consequence: missense variant. On other transcripts: non-coding transcript variant (1).
Genome position (GRCh38, 1-based): chr20:10,405,642, G>C on the plus strand (C>G on the coding strand, the complement: MKKS is on the minus strand). VCF-style: chr20-10405642-G-C. GRCh37 (hg19) VCF-style: chr20-10386290-G-C.
Other names: c.1318C>G, p.Gln440Glu (NM_018848.3); c.1318C>G (NM_018848.2); short protein forms Q440E.
Identifiers: ClinVar variation 962475 (VCV000962475.10), dbSNP rs772537800, ClinGen allele CA9763493.

ClinVar aggregate classification (germline): Uncertain significance. Review status: criteria provided, multiple submitters, no conflicts (2 of 4 stars). 5 submissions from 5 submitters: Uncertain significance (4). 1 of the submissions does not count toward it. Last evaluated 2025-11-13.

Conditions:
MKKS-related disorder. Also called: MKKS-related disorders; MKKS-related condition.
McKusick-Kaufman syndrome (MKKS). Also called: HYDROMETROCOLPOS SYNDROME; HYDROMETROCOLPOS, POSTAXIAL POLYDACTYLY, AND CONGENITAL HEART MALFORMATION. Identifiers: Orphanet 2473, MedGen C0948368, MONDO:0009367, OMIM 236700.
Bardet-Biedl syndrome 6 (BBS6). Identifiers: Orphanet 110, MedGen C1858054, MONDO:0011523, OMIM 605231.
Bardet-Biedl syndrome (BBS). Identifiers: Orphanet 110, MedGen C0752166, MONDO:0015229.
Inborn genetic diseases. Identifiers: MedGen C0950123, MeSH D030342.

Allele frequency attached by ClinVar (database versions not stated): gnomAD 0.00002; ExAC 0.00003; gnomAD exomes 0.00005 and 0.00006; TOPMed 0.00005.
gnomAD v4.1: 80 of 1,614,034 alleles (0.005%); highest among the groups gnomAD compares: Admixed American, 0.025%; no homozygotes.

Submissions (5):

Ambry Genetics
Classification: Uncertain significance for Inborn genetic diseases. Last evaluated: 2025-11-13. Review status: criteria provided, single submitter. Criteria: Ambry Variant Classification Scheme 2023. Collection method: clinical testing. Allele origin: germline.

Labcorp Genetics (formerly Invitae), Labcorp
Classification: Uncertain significance for McKusick-Kaufman syndrome; Bardet-Biedl syndrome. Last evaluated: 2024-12-03. Review status: criteria provided, single submitter. Criteria: Invitae Variant Classification Sherloc (09022015). Collection method: clinical testing. Allele origin: germline.
Comment: This sequence change replaces glutamine, which is neutral and polar, with glutamic acid, which is acidic and polar, at codon 440 of the MKKS protein (p.Gln440Glu). This variant is present in population databases (rs772537800, gnomAD 0.04%). This variant has not been reported in the literature in individuals affected with MKKS-related conditions. ClinVar contains an entry for this variant (Variation ID: 962475). Invitae Evidence Modeling of protein sequence and biophysical properties (such as structural, functional, and spatial information, amino acid conservation, physicochemical variation, residue mobility, and thermodynamic stability) indicates that this missense variant is not expected to disrupt MKKS protein function with a negative predictive value of 95%. In summary, the available evidence is currently insufficient to determine the role of this variant in disease. Therefore, it has been classified as a Variant of Uncertain Significance.

Fulgent Genetics
Classification: Uncertain significance for McKusick-Kaufman syndrome; Bardet-Biedl syndrome 6. Last evaluated: 2024-05-15. Review status: criteria provided, single submitter. Criteria: ACMG Guidelines, 2015. Collection method: clinical testing. Allele origin: germline.

GeneDx
Classification: Uncertain significance. Last evaluated: 2019-12-04. Review status: criteria provided, single submitter. Criteria: GeneDx Variant Classification Process June 2021. Collection method: clinical testing. Allele origin: germline. Affected: yes.
Comment: In silico analysis, which includes protein predictors and evolutionary conservation, supports that this variant does not alter protein structure/function; Has not been previously published as pathogenic or benign to our knowledge

PreventionGenetics, part of Exact Sciences
Classification: Uncertain significance for MKKS-related condition. Last evaluated: 2024-08-20. Review status: no assertion criteria provided. Collection method: clinical testing. Allele origin: germline. Not counted in ClinVar's aggregate classification.
Comment: The MKKS c.1318C>G variant is predicted to result in the amino acid substitution p.Gln440Glu. To our knowledge, this variant has not been reported in the literature. This variant is reported in 0.035% of alleles in individuals of Latino descent in gnomAD. At this time, the clinical significance of this variant is uncertain due to the absence of conclusive functional and genetic evidence.